The following is an entry in ClinVar:

ClinVar aggregate classification (germline): Conflicting classifications of pathogenicity. Review status: criteria provided, conflicting classifications (1 of 4 stars). 7 submissions from 7 submitters: Uncertain significance (3); Benign (1); Likely benign (2). 1 of the submissions does not count toward it. Last evaluated 2025-04-09.

Conditions:
Cardiovascular phenotype. Identifiers: MedGen CN230736.
Cardiomyopathy (CMYO). Also called: Cardiomyopathies. Identifiers: Orphanet 167848, MedGen C0878544, MONDO:0004994, HP:0001638. Inheritance: Various modes of inheritance.
Hypertrophic cardiomyopathy. Also called: HYPERTROPHIC MYOCARDIOPATHY. Identifiers: Orphanet 217569, MedGen C0007194, MeSH D002312, MONDO:0005045, HP:0001639.

Submissions (7):

Molecular Diagnostic Laboratory for Inherited Cardiovascular Disease, Montreal Heart Institute
Classification: Uncertain significance for Cardiovascular phenotype. Last evaluated: 2025-04-09. Review status: criteria provided, single submitter. Criteria: ACMG Guidelines, 2015. Collection method: clinical testing. Allele origin: germline. Affected: yes.

Labcorp Genetics (formerly Invitae), Labcorp
Classification: Uncertain significance for Hypertrophic cardiomyopathy. Last evaluated: 2024-01-22. Review status: criteria provided, single submitter. Criteria: Invitae Variant Classification Sherloc (09022015). Collection method: clinical testing. Allele origin: germline.
Comment: This sequence change falls in intron 22 of the MYBPC3 gene. It does not directly change the encoded amino acid sequence of the MYBPC3 protein. It affects a nucleotide within the consensus splice site. This variant is present in population databases (rs397515949, gnomAD 0.02%). This variant has not been reported in the literature in individuals affected with MYBPC3-related conditions. ClinVar contains an entry for this variant (Variation ID: 42598). Variants that disrupt the consensus splice site are a relatively common cause of aberrant splicing (PMID: 17576681, 9536098). Algorithms developed to predict the effect of sequence changes on RNA splicing suggest that this variant may disrupt the consensus splice site. In summary, the available evidence is currently insufficient to determine the role of this variant in disease. Therefore, it has been classified as a Variant of Uncertain Significance.

Blueprint Genetics
Classification: Likely benign. Last evaluated: 2020-04-01. Review status: criteria provided, single submitter. Criteria: ACMG Guidelines, 2015. Collection method: clinical testing. Allele origin: germline.

Color Diagnostics, LLC DBA Color Health
Classification: Likely benign for Cardiomyopathy. Last evaluated: 2019-01-08. Review status: criteria provided, single submitter. Criteria: ACMG Guidelines, 2015. Collection method: clinical testing. Allele origin: germline.

GeneDx
Classification: Benign. Last evaluated: 2016-11-04. Review status: criteria provided, single submitter. Criteria: GeneDx Variant Classification (06012015). Collection method: clinical testing. Allele origin: germline. Affected: yes.
Comment: This variant is considered likely benign or benign based on one or more of the following criteria: it is a conservative change, it occurs at a poorly conserved position in the protein, it is predicted to be benign by multiple in silico algorithms, and/or has population frequency not consistent with disease.

Biesecker Lab/Clinical Genomics Section, National Institutes of Health
Classification: Uncertain significance. Last evaluated: 2013-06-24. Review status: criteria provided, single submitter. Criteria: Ng et al. (Circ Cardiovasc Genet. 2013). Collection method: research. Allele origin: unknown. Observed: 1 variant allele. Study: ClinSeq.
Comment: The study set was not selected for affection status in relation to any cancer. Pathogenicity categories were based on literature curation. See Pubmed ID:23861362 for details.

Medical sequencing

Laboratory for Molecular Medicine, Mass General Brigham Personalized Medicine
Classification: Uncertain significance. Last evaluated: 2008-03-01. Review status: no assertion criteria provided. Collection method: clinical testing. Allele origin: germline. Observed: 1 variant allele. Not counted in ClinVar's aggregate classification.

Literature cited by the submitters: PubMed 17576681 (cited by Labcorp Genetics (formerly Invitae), Labcorp); PubMed 9536098 (cited by Labcorp Genetics (formerly Invitae), Labcorp).

NM_000256.3(MYBPC3):c.2148+6_2148+9del

Gene: MYBPC3 (myosin binding protein C3; minus strand). Cytogenetic location: 11p11.2.
Variant type: Microsatellite.
Coding change: c.2148+6_2148+9del on transcript NM_000256.3 (MANE Select); bases 6 to 9 of the intron after coding-DNA position 2148, 4 bases deleted (TGAG; older notation c.2148+6_2148+9delTGAG).
Molecular consequence: splice donor variant.
Genome position (GRCh38, 1-based): chr11:47,339,315-47,339,318, CTCA deleted on the plus strand (TGAG on the coding strand, the reverse complement: MYBPC3 is on the minus strand); deleting any 4 consecutive bases within chr11:47,339,315-47,339,323 gives the same sequence; the c. name uses the placement nearest the transcript's 3' end. VCF-style (leftmost placement, unchanged base first): chr11-47339314-TCTCA-T. GRCh37 (hg19) VCF-style: chr11-47360865-TCTCA-T.
Other names: c.2148+6_2148+9delTGAG (NM_000256.3).
Identifiers: ClinVar variation 42598 (VCV000042598.10), dbSNP rs397515949, ClinGen allele CA011760.